The following is an entry in ClinVar:

NM_000206.3(IL2RG):c.186T>A (p.Cys62Ter)

Gene: IL2RG (interleukin 2 receptor subunit gamma; minus strand). Cytogenetic location: Xq13.1.
Variant type: single nucleotide variant.
Coding change: c.186T>A on transcript NM_000206.3 (MANE Select); coding-DNA position 186, T replaced by A.
Protein change: p.Cys62Ter; replaces cysteine 62 with a stop codon.
Molecular consequence: nonsense.
Genome position (GRCh38, 1-based): chrX:71,110,980, A>T on the plus strand (T>A on the coding strand, the complement: IL2RG is on the minus strand). VCF-style: chrX-71110980-A-T. GRCh37 (hg19) VCF-style: chrX-70330830-A-T.
Other names: NM_000206.3(IL2RG):c.186T>A; p.Cys62Ter; short protein forms C62*.
Identifiers: ClinVar variation 10019 (VCV000010019.2), dbSNP rs111033619, ClinGen allele CA254980.

ClinVar aggregate classification (germline): Pathogenic. Review status: reviewed by expert panel (3 of 4 stars). 2 submissions from 2 submitters: Pathogenic (1). 1 of the submissions does not count toward it. Last evaluated 2024-02-01.

Conditions:
X-linked severe combined immunodeficiency (SCIDX1). Also called: IMMUNODEFICIENCY 4; X-Linked Combined Immunodeficiency Diseases; SCID, X-LINKED; SEVERE COMBINED IMMUNODEFICIENCY, X-LINKED, T CELL-NEGATIVE, B CELL-POSITIVE, NK CELL-NEGATIVE; T-B+ severe combined immunodeficiency due to gamma chain deficiency. Identifiers: Orphanet 276, MedGen C6022468, MONDO:0010315, OMIM 300400. Disease mechanism: loss of function.

Submissions (2):

ClinGen Severe Combined Immunodeficiency Variant Curation Expert Panel, ClinGen
Classification: Pathogenic for X-linked severe combined immunodeficiency. Last evaluated: 2024-02-01. Review status: reviewed by expert panel. Criteria: ClinGen SCID ACMG Specifications IL2RG V1.0.0. Collection method: curation. Allele origin: germline. Inheritance: X-linked inheritance.
Comment: The c.186T>A (p.Cys62Ter) (NM_000206.3) variant in IL2RG is a nonsense variant predicted to cause a premature stop codon in biologically-relevant-exon 2/8 leading to nonsense-mediated decay in a gene in which loss-of-function is an established disease mechanism (PVS1 Met). The variant is absent in gnomAD v4 (PM2_supporting). In summary, this variant meets the criteria to be classified as a Pathogenic variant for X-linked severe combined immunodeficiency due to IL2RG deficiency based on the ACMG/AMP criteria applied, as specified by the ClinGen SCID VCEP: PVS1 Met,PP4,PM2_supporting (VCEP specifications version 1).

OMIM
Classification: Pathogenic for SEVERE COMBINED IMMUNODEFICIENCY, X-LINKED. Last evaluated: 1993-08-01. Review status: no assertion criteria provided. Collection method: literature only. Allele origin: germline. Not counted in ClinVar's aggregate classification.

Literature cited by the submitters: PubMed 8401490 (cited by OMIM).